The following is an entry in ClinVar:

ClinVar aggregate classification (germline): Likely benign. Review status: criteria provided, multiple submitters, no conflicts (2 of 4 stars). 3 submissions from 3 submitters: Likely benign (3). Last evaluated 2025-09-01.

Conditions:
Ehlers-Danlos syndrome, kyphoscoliotic type 1 (EDSKSCL1). Also called: Ehlers-Danlos syndrome, hydroxylysine-deficient; EHLERS-DANLOS SYNDROME, OCULAR-SCOLIOTIC TYPE; PLOD1-Related Kyphoscoliotic Ehlers-Danlos Syndrome; EHLERS-DANLOS SYNDROME, TYPE VIA. Identifiers: Orphanet 1900, MedGen C0268342, MONDO:0016002, OMIM 225400. Disease mechanism: loss of function.
Familial thoracic aortic aneurysm and aortic dissection (TAAD). Also called: Thoracic aortic aneurysms and dissections. Identifiers: Orphanet 91387, MedGen C4707243, MONDO:0019625.

Allele frequency attached by ClinVar (database versions not stated): ExAC 0.00001; gnomAD 0.00001; gnomAD exomes 0.00001.
gnomAD v4.1: 15 of 1,614,050 alleles (0.00093%); highest among the groups gnomAD compares: Non-Finnish European, 0.0012%; no homozygotes.

Submissions (3):

CeGaT Center for Human Genetics Tuebingen
Classification: Likely benign. Last evaluated: 2025-09-01. Review status: criteria provided, single submitter. Criteria: CeGaT Center For Human Genetics Tuebingen Variant Classification Criteria Version 2. Collection method: clinical testing. Allele origin: germline. Affected: yes. Observed: 1 variant allele.
Comment: PLOD1: BP4, BP7

Labcorp Genetics (formerly Invitae), Labcorp
Classification: Likely benign for Ehlers-Danlos syndrome, kyphoscoliotic type 1. Last evaluated: 2025-02-03. Review status: criteria provided, single submitter. Criteria: Invitae Variant Classification Sherloc (09022015). Collection method: clinical testing. Allele origin: germline.

Ambry Genetics
Classification: Likely benign for Familial thoracic aortic aneurysm and aortic dissection. Last evaluated: 2020-09-16. Review status: criteria provided, single submitter. Criteria: Ambry Variant Classification Scheme 2023. Collection method: clinical testing. Allele origin: germline.

NM_000302.4(PLOD1):c.1986C>T (p.Phe662=)

Gene: PLOD1 (procollagen-lysine,2-oxoglutarate 5-dioxygenase 1; plus strand). Cytogenetic location: 1p36.22.
Variant type: single nucleotide variant.
Coding change: c.1986C>T on transcript NM_000302.4 (MANE Select); coding-DNA position 1986, C replaced by T.
Protein change: p.Phe662=; no amino-acid change (phenylalanine 662 retained).
Molecular consequence: synonymous variant.
Genome position (GRCh38, 1-based): chr1:11,972,955, C>T. VCF-style: chr1-11972955-C-T. GRCh37 (hg19) VCF-style: chr1-12033012-C-T.
Other names: c.2127C>T, p.Phe709= (NM_001316320.2).
Identifiers: ClinVar variation 1783872 (VCV001783872.12), dbSNP rs778619786, ClinGen allele CA598624.
Genomic context (GRCh38, chr1:11,972,955, plus strand): 5'-CGTCCGCTACAAGCCTGATGAGCAGCCCTCACTGATGCCACACCATGATGCCTCCACCTT[C>T]ACCATCAACATCGCCCTGAACCGAGTCGGGGTGGATTACGAGGTGAGCAGGAGCCAGCCG-3'
Protein context (NP_000293.2, residues 652-672): SLMPHHDAST[Phe662=]TINIALNRVG